The following is an entry in ClinVar:

ClinVar aggregate classification (germline): Uncertain significance (1 of 4 stars; one submission).

Submission:

Labcorp Genetics (formerly Invitae), Labcorp
Classification: Uncertain significance. Last evaluated: 2022-03-07. Review status: criteria provided, single submitter. Criteria: Invitae Variant Classification Sherloc (09022015). Collection method: clinical testing. Allele origin: germline.
Comment: This sequence change replaces arginine with glycine at codon 114 of the SLC46A1 protein (p.Arg114Gly). The arginine residue is moderately conserved and there is a moderate physicochemical difference between arginine and glycine. In summary, the available evidence is currently insufficient to determine the role of this variant in disease. Therefore, it has been classified as a Variant of Uncertain Significance. Experimental studies and prediction algorithms are not available or were not evaluated, and the functional significance of this variant is currently unknown. This variant has not been reported in the literature in individuals affected with SLC46A1-related conditions. This variant is not present in population databases (gnomAD no frequency).

NM_080669.6(SLC46A1):c.340C>G (p.Arg114Gly)

Gene: SLC46A1 (solute carrier family 46 member 1; minus strand). Cytogenetic location: 17q11.2.
Variant type: single nucleotide variant.
Coding change: c.340C>G on transcript NM_080669.6 (MANE Select); coding-DNA position 340, C replaced by G.
Protein change: p.Arg114Gly; replaces arginine 114 with glycine.
Molecular consequence: missense variant.
Genome position (GRCh38, 1-based): chr17:28,405,357, G>C on the plus strand (C>G on the coding strand, the complement: SLC46A1 is on the minus strand). VCF-style: chr17-28405357-G-C. GRCh37 (hg19) VCF-style: chr17-26732375-G-C.
Other names: c.340C>G, p.Arg114Gly (NM_001242366.3); short protein forms R114G.
Identifiers: ClinVar variation 1519102 (VCV001519102.6), dbSNP rs551213215, ClinGen allele CA398352447.